The following is an entry in ClinVar:

ClinVar aggregate classification (germline): Likely benign. Review status: criteria provided, single submitter (1 of 4 stars). 2 submissions from 2 submitters: Likely benign (1). 1 of the submissions does not count toward it. Last evaluated 2024-02-02.

Conditions:
PEX5-related disorder. Also called: PEX5-Related Disorders; PEX5-related condition.
Peroxisome biogenesis disorder 2B (PBD2B). Identifiers: Orphanet 44, MedGen C3550234, MONDO:0008736, OMIM 202370.

Allele frequency attached by ClinVar (database versions not stated): gnomAD exomes below 0.00001; gnomAD 0.00001.
gnomAD v4.1: 9 of 1,614,000 alleles (0.00056%); highest among the groups gnomAD compares: South Asian, 0.0099%; no homozygotes.

Submissions (2):

Labcorp Genetics (formerly Invitae), Labcorp
Classification: Likely benign for Peroxisome biogenesis disorder 2B. Last evaluated: 2024-02-02. Review status: criteria provided, single submitter. Criteria: Invitae Variant Classification Sherloc (09022015). Collection method: clinical testing. Allele origin: germline.

PreventionGenetics, part of Exact Sciences
Classification: Likely benign for PEX5-related condition. Last evaluated: 2021-12-01. Review status: no assertion criteria provided. Collection method: clinical testing. Allele origin: germline. Not counted in ClinVar's aggregate classification.
Comment: This variant is classified as likely benign based on ACMG/AMP sequence variant interpretation guidelines (Richards et al. 2015 PMID: 25741868, with internal and published modifications).

NM_001351132.2(PEX5):c.1480T>C (p.Leu494=)

Gene: PEX5 (peroxisomal biogenesis factor 5; plus strand). Cytogenetic location: 12p13.31.
Variant type: single nucleotide variant.
Coding change: c.1480T>C on transcript NM_001351132.2 (MANE Select); coding-DNA position 1480, T replaced by C.
Protein change: p.Leu494=; no amino-acid change (leucine 494 retained).
Molecular consequence: synonymous variant.
Genome position (GRCh38, 1-based): chr12:7,209,090, T>C. VCF-style: chr12-7209090-T-C. GRCh37 (hg19) VCF-style: chr12-7361686-T-C.
Other names: c.1456T>C, p.Leu486= (NM_000319.5); c.1525T>C, p.Leu509= (NM_001131023.2); c.1369T>C, p.Leu457= (NM_001131024.2, NM_001351124.3, NM_001351126.2 and 7 more transcripts); c.1480T>C, p.Leu494= (NM_001131025.2, NM_001131026.2, NM_001300789.3 and 4 more transcripts); c.1414T>C, p.Leu472= (NM_001351135.3, NM_001351138.2); c.1471T>C, p.Leu491= (NM_001351136.2); c.1345T>C, p.Leu449= (NM_001351139.2, NM_001351140.2, NM_001374649.2); c.1480T>C (NM_001131025.1).
Identifiers: ClinVar variation 1140431 (VCV001140431.9), dbSNP rs1199150044, ClinGen allele CA478186920.